The following is an entry in ClinVar:

NM_005633.4(SOS1):c.3409T>C (p.Ser1137Pro)

Gene: SOS1 (SOS Ras/Rac guanine nucleotide exchange factor 1; minus strand). Cytogenetic location: 2p22.1.
Variant type: single nucleotide variant.
Coding change: c.3409T>C on transcript NM_005633.4 (MANE Select); coding-DNA position 3409, T replaced by C.
Protein change: p.Ser1137Pro; replaces serine 1137 with proline.
Molecular consequence: missense variant.
Genome position (GRCh38, 1-based): chr2:38,987,574, A>G on the plus strand (T>C on the coding strand, the complement: SOS1 is on the minus strand). VCF-style: chr2-38987574-A-G. GRCh37 (hg19) VCF-style: chr2-39214715-A-G.
Other names: c.3388T>C, p.Ser1130Pro (NM_001382394.1); c.3364T>C, p.Ser1122Pro (NM_001382395.1); short protein forms S1122P, S1130P, S1137P.
Identifiers: ClinVar variation 1718348 (VCV001718348.5), dbSNP rs147996068, ClinGen allele CA45641519.
Genomic context (GRCh38, chr2:38,987,574, plus strand): 5'-TTCGTGGAGGAACAGGAGGAGGGACAGGCACTTCATCAGTGCCTTTGGTTAAACTTATAG[A>G]TGATACAGAAGCAGATCCTGTGGGATGTTAAATTTTTAAGAAAAAGTCCACAGGAATTTT-3'
Protein context (NP_005624.2, residues 1127-1147): PHGPRSASVS[Ser1137Pro]ISLTKGTDEV

ClinVar aggregate classification (germline): Uncertain significance (1 of 4 stars; one submission).

Conditions:
RASopathy. Also called: rasopathies; Noonan spectrum disorder. Identifiers: Orphanet 536391, MedGen C5555857, MONDO:0021060.

Allele frequency attached by ClinVar (database versions not stated): TOPMed below 0.00001; ESP Exome Variant Server 0.00008.

Submission:

Labcorp Genetics (formerly Invitae), Labcorp
Classification: Uncertain significance for RASopathy. Last evaluated: 2022-08-30. Review status: criteria provided, single submitter. Criteria: Invitae Variant Classification Sherloc (09022015). Collection method: clinical testing. Allele origin: germline.
Comment: In summary, the available evidence is currently insufficient to determine the role of this variant in disease. Therefore, it has been classified as a Variant of Uncertain Significance. This sequence change replaces serine, which is neutral and polar, with proline, which is neutral and non-polar, at codon 1137 of the SOS1 protein (p.Ser1137Pro). This variant is not present in population databases (gnomAD no frequency). This variant has not been reported in the literature in individuals affected with SOS1-related conditions. Advanced modeling of protein sequence and biophysical properties (such as structural, functional, and spatial information, amino acid conservation, physicochemical variation, residue mobility, and thermodynamic stability) performed at Invitae indicates that this missense variant is expected to disrupt SOS1 protein function.